The following is an entry in ClinVar:

ClinVar aggregate classification (germline): Uncertain significance. Review status: criteria provided, multiple submitters, no conflicts (2 of 4 stars). 2 submissions from 2 submitters: Uncertain significance (2). Last evaluated 2025-08-24.

Conditions:
Inborn genetic diseases. Identifiers: MedGen C0950123, MeSH D030342.
Aortic valve disease 2 (AOVD2). Identifiers: MedGen C3542024, MONDO:0013902, OMIM 614823.

Allele frequency attached by ClinVar (database versions not stated): TOPMed below 0.00001; gnomAD 0.00001.

Submissions (2):

Ambry Genetics
Classification: Uncertain significance for Inborn genetic diseases. Last evaluated: 2025-08-24. Review status: criteria provided, single submitter. Criteria: Ambry Variant Classification Scheme 2023. Collection method: clinical testing. Allele origin: germline.

Labcorp Genetics (formerly Invitae), Labcorp
Classification: Uncertain significance for Aortic valve disease 2. Last evaluated: 2023-09-29. Review status: criteria provided, single submitter. Criteria: Invitae Variant Classification Sherloc (09022015). Collection method: clinical testing. Allele origin: germline.
Comment: In summary, the available evidence is currently insufficient to determine the role of this variant in disease. Therefore, it has been classified as a Variant of Uncertain Significance. Advanced modeling of protein sequence and biophysical properties (such as structural, functional, and spatial information, amino acid conservation, physicochemical variation, residue mobility, and thermodynamic stability) performed at Invitae indicates that this missense variant is not expected to disrupt SMAD6 protein function. ClinVar contains an entry for this variant (Variation ID: 2311995). This variant has not been reported in the literature in individuals affected with SMAD6-related conditions. This variant is not present in population databases (gnomAD no frequency). This sequence change replaces valine, which is neutral and non-polar, with alanine, which is neutral and non-polar, at codon 208 of the SMAD6 protein (p.Val208Ala).

NM_005585.5(SMAD6):c.623T>C (p.Val208Ala)

Gene: SMAD6 (SMAD family member 6; plus strand). Cytogenetic location: 15q22.31.
Variant type: single nucleotide variant.
Coding change: c.623T>C on transcript NM_005585.5 (MANE Select); coding-DNA position 623, T replaced by C.
Protein change: p.Val208Ala; replaces valine 208 with alanine.
Molecular consequence: missense variant. On other transcripts: non-coding transcript variant (1).
Genome position (GRCh38, 1-based): chr15:66,703,881, T>C. VCF-style: chr15-66703881-T-C. GRCh37 (hg19) VCF-style: chr15-66996219-T-C.
Other names: short protein forms V208A.
Identifiers: ClinVar variation 2311995 (VCV002311995.6), dbSNP rs1893043480, ClinGen allele CA392949917.